The following is an entry in ClinVar:

NM_002900.3(RBP3):c.884C>T (p.Thr295Met)

Gene: RBP3 (retinol binding protein 3; plus strand). Cytogenetic location: 10q11.22.
Variant type: single nucleotide variant.
Coding change: c.884C>T on transcript NM_002900.3 (MANE Select); coding-DNA position 884, C replaced by T.
Protein change: p.Thr295Met; replaces threonine 295 with methionine.
Molecular consequence: missense variant.
Genome position (GRCh38, 1-based): chr10:47,349,368, C>T. VCF-style: chr10-47349368-C-T. GRCh37 (hg19) VCF-style: chr10-48389994-G-A.
Other names: c.884C>T (NM_002900.2); short protein forms T295M.
Identifiers: ClinVar variation 1040464 (VCV001040464.8), dbSNP rs782631087, ClinGen allele CA5487671.
Genomic context (GRCh38, chr10:47,349,368, plus strand): 5'-ACTTCTTCTTCACGGTGCCCGTGTCCAGGTCCCTGGGGCCCCTTGGTGGAGGCAGCCAGA[C>T]GTGGGAGGGCAGCGGGGTGCTGCCCTGTGTGGGGACTCCGGCCGAGCAGGCCCTGGAGAA-3'
Protein context (NP_002891.1, residues 285-305): SLGPLGGGSQ[Thr295Met]WEGSGVLPCV

ClinVar aggregate classification (germline): Uncertain significance. Review status: criteria provided, multiple submitters, no conflicts (2 of 4 stars). 3 submissions from 3 submitters: Uncertain significance (3). Last evaluated 2023-08-22.

Conditions:
Inborn genetic diseases. Identifiers: MedGen C0950123, MeSH D030342.

Allele frequency attached by ClinVar (database versions not stated): gnomAD 0.00001 and 0.00002; TOPMed 0.00003; gnomAD exomes 0.00006 and 0.00009; ExAC 0.00009.
gnomAD v4.1: 94 of 1,612,070 alleles (0.0058%); highest among the groups gnomAD compares: South Asian, 0.049%; no homozygotes.

Submissions (3):

Ambry Genetics
Classification: Uncertain significance for Inborn genetic diseases. Last evaluated: 2023-08-22. Review status: criteria provided, single submitter. Criteria: Ambry Variant Classification Scheme 2023. Collection method: clinical testing. Allele origin: germline.

Blueprint Genetics
Classification: Uncertain significance. Last evaluated: 2023-04-26. Review status: criteria provided, single submitter. Criteria: ACMG Guidelines, 2015. Collection method: clinical testing. Allele origin: germline.

Labcorp Genetics (formerly Invitae), Labcorp
Classification: Uncertain significance. Last evaluated: 2022-06-01. Review status: criteria provided, single submitter. Criteria: Invitae Variant Classification Sherloc (09022015). Collection method: clinical testing. Allele origin: germline.
Comment: This sequence change replaces threonine, which is neutral and polar, with methionine, which is neutral and non-polar, at codon 295 of the RBP3 protein (p.Thr295Met). This variant is present in population databases (rs782631087, gnomAD 0.06%). This variant has not been reported in the literature in individuals affected with RBP3-related conditions. ClinVar contains an entry for this variant (Variation ID: 1040464). Algorithms developed to predict the effect of missense changes on protein structure and function are either unavailable or do not agree on the potential impact of this missense change (SIFT: "Deleterious"; PolyPhen-2: "Probably Damaging"; Align-GVGD: "Class C0"). In summary, the available evidence is currently insufficient to determine the role of this variant in disease. Therefore, it has been classified as a Variant of Uncertain Significance.